The following is an entry in ClinVar:

NM_000257.4(MYH7):c.5254G>A (p.Glu1752Lys)

Genes: MYH7 (myosin heavy chain 7; minus strand), LOC126861897 (BRD4-independent group 4 enhancer GRCh37_chr14:23884455-23885654; plus strand). Cytogenetic location: 14q11.2.
Variant type: single nucleotide variant.
Coding change: c.5254G>A on transcript NM_000257.4 (MANE Select); coding-DNA position 5254, G replaced by A.
Protein change: p.Glu1752Lys; replaces glutamic acid 1752 with lysine.
Molecular consequence: missense variant.
Genome position (GRCh38, 1-based): chr14:23,415,410, C>T on the plus strand (G>A on the coding strand, the complement: MYH7 is on the minus strand). VCF-style: chr14-23415410-C-T. GRCh37 (hg19) VCF-style: chr14-23884619-C-T.
Other names: p.E1752K:GAG>AAG; c.5254G>A (NM_000257.3, LRG_384t1); short protein forms E1752K.
Identifiers: ClinVar variation 181395 (VCV000181395.13), dbSNP rs730880916, ClinGen allele CA015809.
Genomic context (GRCh38, chr14:23,415,410, plus strand): 5'-CTGGATCGGGTCGGTGGAGTGGGGGACTTACATCCGTGATGGCCTTCTTGGCCTTCTCCT[C>T]AGCATTCCTGCACTCCTGCACTGCCTCCTCCACTTCAGTCTGGAGCTGGGACAGGTCAGC-3'
Protein context (NP_000248.2, residues 1742-1762): EEAVQECRNA[Glu1752Lys]EKAKKAITDA

ClinVar aggregate classification (germline): Pathogenic/Likely pathogenic. Review status: criteria provided, multiple submitters, no conflicts (2 of 4 stars). 4 submissions from 4 submitters: Pathogenic (1); Likely pathogenic (3). Last evaluated 2026-01-15.

Conditions:
Cardiovascular phenotype. Identifiers: MedGen CN230736.
Hypertrophic cardiomyopathy 1 (CMH1). Also called: Familial hypertrophic cardiomyopathy 1; MYH7-Related Familial Hypertrophic Cardiomyopathy. Identifiers: MedGen C3495498, MONDO:0008647, OMIM 192600.
Hypertrophic cardiomyopathy. Also called: HYPERTROPHIC MYOCARDIOPATHY. Identifiers: Orphanet 217569, MedGen C0007194, MeSH D002312, MONDO:0005045, HP:0001639.

Submissions (4):

Ambry Genetics
Classification: Likely pathogenic for Cardiovascular phenotype. Last evaluated: 2026-01-15. Review status: criteria provided, single submitter. Criteria: Ambry Variant Classification Scheme 2023. Collection method: clinical testing. Allele origin: germline.
Comment: The p.E1752K variant (also known as c.5254G>A), located in coding exon 34 of the MYH7 gene, results from a G to A substitution at nucleotide position 5254. The glutamic acid at codon 1752 is replaced by lysine, an amino acid with similar properties. This variant was identified in one or more individuals with features consistent with hypertrophic cardiomyopathy and segregated with disease in at least one family (Lee DD et al. Pediatr Cardiol, 2014 Dec;35:1474-7; Nielsen SK et al. JACC Adv, 2023 Oct;2:100604; external communication; Ambry internal data). Based on internal structural analysis, this variant is anticipated to disrupt a region of known function (Andreas MP et al. J Struct Biol, 2017 Dec;200:219-228). This amino acid position is highly conserved in available vertebrate species. In addition, this alteration is predicted to be deleterious by in silico analysis. This variant is considered to be rare based on population cohorts in the Genome Aggregation Database (gnomAD). Based on the majority of available evidence to date, this variant is likely to be pathogenic.

Labcorp Genetics (formerly Invitae), Labcorp
Classification: Pathogenic for Hypertrophic cardiomyopathy. Last evaluated: 2025-11-17. Review status: criteria provided, single submitter. Criteria: Invitae Variant Classification Sherloc (09022015). Collection method: clinical testing. Allele origin: germline.
Comment: This sequence change replaces glutamic acid, which is acidic and polar, with lysine, which is basic and polar, at codon 1752 of the MYH7 protein (p.Glu1752Lys). This variant is not present in population databases (gnomAD no frequency). This missense change has been observed in individuals with hypertrophic cardiomyopathy (PMID: 25182012; internal data). It has also been observed to segregate with disease in related individuals. ClinVar contains an entry for this variant (Variation ID: 181395). Invitae Evidence Modeling of protein sequence and biophysical properties (such as structural, functional, and spatial information, amino acid conservation, physicochemical variation, residue mobility, and thermodynamic stability) indicates that this missense variant is expected to disrupt MYH7 protein function with a positive predictive value of 95%. This variant disrupts the p.Glu1752 amino acid residue in MYH7. Other variant(s) that disrupt this residue have been observed in individuals with MYH7-related conditions (PMID: 21750094), which suggests that this may be a clinically significant amino acid residue. For these reasons, this variant has been classified as Pathogenic.

GeneDx
Classification: Likely pathogenic. Last evaluated: 2016-04-25. Review status: criteria provided, single submitter. Criteria: GeneDx Variant Classification (06012015). Collection method: clinical testing. Allele origin: germline. Affected: yes.
Comment: The Glu1752Lys mutation in the MYH7 gene has not been reported previously as a disease-causing mutation or as a benign polymorphism, to our knowledge. Glu1752Lys results in a non-conservative amino acid substitution of a negatively charged Glutamic acid residue with a positively charged Lysine residue at a position that is highly conserved across species in related proteins. Also, in silico analysis predicts Glu1752Lys to be a disease causing change. Additionally, a mutation at a neighboring residue (Glu1753Lys) as well as nearby residues (Thr1760Met, Ala1766Thr) have been reported in association with cardiomyopathy, further supporting the functional importance of this residue and this region of the protein. Furthermore, Glu1752Lys was not observed in up to 400 alleles from control individuals of Caucasian and African American ancestry tested at GeneDx, indicating it is not a common benign polymorphism in these populations.

Clinical Genetics Service, Universitary Hospital 12 de Octubre
Classification: Likely pathogenic for Hypertrophic cardiomyopathy 1. Review status: criteria provided, single submitter. Criteria: ACMG Guidelines, 2015. Collection method: clinical testing. Allele origin: germline. Affected: yes.

Literature cited by the submitters: PubMed 25182012 (cited by Ambry Genetics and Labcorp Genetics (formerly Invitae), Labcorp); PubMed 28743637 (cited by Ambry Genetics); PubMed 38938358 (cited by Ambry Genetics); PubMed 21750094 (cited by Labcorp Genetics (formerly Invitae), Labcorp).